The following is an entry in ClinVar:

ClinVar aggregate classification (germline): Uncertain significance (1 of 4 stars; one submission).

Submission:

GeneDx
Classification: Uncertain significance. Last evaluated: 2025-06-24. Review status: criteria provided, single submitter. Criteria: GeneDx Variant Classification Process June 2021. Collection method: clinical testing. Allele origin: germline. Affected: yes.
Comment: Not observed at significant frequency in large population cohorts (gnomAD); In silico analysis supports that this missense variant has a deleterious effect on protein structure/function; Has not been previously published as pathogenic or benign to our knowledge

NM_006035.4(CDC42BPB):c.887A>G (p.His296Arg)

Gene: CDC42BPB (CDC42 binding protein kinase beta; minus strand). Cytogenetic location: 14q32.32.
Variant type: single nucleotide variant.
Coding change: c.887A>G on transcript NM_006035.4 (MANE Select); coding-DNA position 887, A replaced by G.
Protein change: p.His296Arg; replaces histidine 296 with arginine.
Molecular consequence: missense variant.
Genome position (GRCh38, 1-based): chr14:102,983,560, T>C on the plus strand (A>G on the coding strand, the complement: CDC42BPB is on the minus strand). VCF-style: chr14-102983560-T-C. GRCh37 (hg19) VCF-style: chr14-103449897-T-C.
Other names: c.887A>G, p.His296Arg (NM_001411054.1); short protein forms H296R.
Identifiers: ClinVar variation 4540264 (VCV004540264.1).